The following is an entry in ClinVar:

ClinVar aggregate classification (germline): Uncertain significance (1 of 4 stars; one submission).

gnomAD v4.1: 132 of 1,306,822 alleles (0.01%); highest among the groups gnomAD compares: Non-Finnish European, 0.013%; no homozygotes.

Submission:

CeGaT Center for Human Genetics Tuebingen
Classification: Uncertain significance. Last evaluated: 2026-06-01. Review status: criteria provided, single submitter. Criteria: CeGaT Center For Human Genetics Tuebingen Variant Classification Criteria Version 2. Collection method: clinical testing. Allele origin: germline. Affected: yes. Observed: 1 variant allele.
Comment: GIPC3: PM2

NM_133261.3(GIPC3):c.*408A>G

Gene: GIPC3 (GIPC PDZ domain containing family member 3; plus strand). Cytogenetic location: 19p13.3.
Variant type: single nucleotide variant.
Coding change: c.*408A>G on transcript NM_133261.3 (MANE Select); 408 bases downstream of the stop codon, A replaced by G.
Molecular consequence: 3 prime UTR variant. On other transcripts: missense variant (1).
Genome position (GRCh38, 1-based): chr19:3,590,598, A>G. VCF-style: chr19-3590598-A-G. GRCh37 (hg19) VCF-style: chr19-3590596-A-G.
Other names: c.1360A>G, p.Arg454Gly (NM_001411144.1); short protein forms R454G.
Identifiers: ClinVar variation 4873241 (VCV004873241.2).